The following is an entry in ClinVar:

ClinVar aggregate classification (germline): Uncertain significance (1 of 4 stars; one submission).

Allele frequency attached by ClinVar (database versions not stated): gnomAD exomes 0.00001; gnomAD 0.00002.
gnomAD v4.1: 24 of 1,614,062 alleles (0.0015%); highest among the groups gnomAD compares: East Asian, 0.016%; no homozygotes.

Submission:

Labcorp Genetics (formerly Invitae), Labcorp
Classification: Uncertain significance. Last evaluated: 2025-12-13. Review status: criteria provided, single submitter. Criteria: Invitae Variant Classification Sherloc (09022015). Collection method: clinical testing. Allele origin: germline.
Comment: This sequence change replaces arginine, which is basic and polar, with tryptophan, which is neutral and slightly polar, at codon 734 of the KANK1 protein (p.Arg734Trp). This variant is present in population databases (rs375662630, gnomAD 0.04%). This variant has not been reported in the literature in individuals affected with KANK1-related conditions. ClinVar contains an entry for this variant (Variation ID: 2069287). Invitae Evidence Modeling of protein sequence and biophysical properties (such as structural, functional, and spatial information, amino acid conservation, physicochemical variation, residue mobility, and thermodynamic stability) indicates that this missense variant is expected to disrupt KANK1 protein function with a positive predictive value of 80%. In summary, the available evidence is currently insufficient to determine the role of this variant in disease. Therefore, it has been classified as a Variant of Uncertain Significance.

NM_015158.5(KANK1):c.2200C>T (p.Arg734Trp)

Gene: KANK1 (KN motif and ankyrin repeat domains 1; plus strand). Cytogenetic location: 9p24.3.
Variant type: single nucleotide variant.
Coding change: c.2200C>T on transcript NM_015158.5 (MANE Select); coding-DNA position 2200, C replaced by T.
Protein change: p.Arg734Trp; replaces arginine 734 with tryptophan.
Molecular consequence: missense variant. On other transcripts: non-coding transcript variant (1).
Genome position (GRCh38, 1-based): chr9:712,966, C>T. VCF-style: chr9-712966-C-T. GRCh37 (hg19) VCF-style: chr9-712966-C-T.
Other names: c.2200C>T, p.Arg734Trp (NM_001256876.3, NM_001256877.3, NM_001354331.2 and 2 more transcripts); c.1726C>T, p.Arg576Trp (NM_001354333.2, NM_001354335.2, NM_001354336.2 and 9 more transcripts); short protein forms R734W, R576W.
Identifiers: ClinVar variation 2069287 (VCV002069287.4), dbSNP rs375662630, ClinGen allele CA187838129.